The following is an entry in ClinVar:

NM_002693.3(POLG):c.2734+16G>A

Gene: POLG (DNA polymerase gamma, catalytic subunit; minus strand). Cytogenetic location: 15q26.1.
Variant type: single nucleotide variant.
Coding change: c.2734+16G>A on transcript NM_002693.3 (MANE Select); 16 bases into the intron after coding-DNA position 2734, G replaced by A.
Molecular consequence: intron variant.
Genome position (GRCh38, 1-based): chr15:89,321,109, C>T on the plus strand (G>A on the coding strand, the complement: POLG is on the minus strand). VCF-style: chr15-89321109-C-T. GRCh37 (hg19) VCF-style: chr15-89864340-C-T.
Other names: c.2734+16G>A (NM_001126131.2).
Identifiers: ClinVar variation 390351 (VCV000390351.1), dbSNP rs1057523737, ClinGen allele CA16607898.

ClinVar aggregate classification (germline): Likely benign (1 of 4 stars; one submission).

Allele frequency attached by ClinVar (database versions not stated): gnomAD below 0.00001 and 0.00001.

Submission:

GeneDx
Classification: Likely benign. Last evaluated: 2016-10-25. Review status: criteria provided, single submitter. Criteria: GeneDx Variant Classification (06012015). Collection method: clinical testing. Allele origin: germline. Affected: yes.
Comment: This variant is considered likely benign or benign based on one or more of the following criteria: it is a conservative change, it occurs at a poorly conserved position in the protein, it is predicted to be benign by multiple in silico algorithms, and/or has population frequency not consistent with disease.